The following is an entry in ClinVar:

NM_017852.5(NLRP2):c.103C>T (p.Leu35=)

Gene: NLRP2 (NLR family pyrin domain containing 2; plus strand). Cytogenetic location: 19q13.42.
Variant type: single nucleotide variant.
Coding change: c.103C>T on transcript NM_017852.5 (MANE Select); coding-DNA position 103, C replaced by T.
Protein change: p.Leu35=; no amino-acid change (leucine 35 retained).
Molecular consequence: synonymous variant. On other transcripts: non-coding transcript variant (1).
Genome position (GRCh38, 1-based): chr19:54,970,118, C>T. VCF-style: chr19-54970118-C-T. GRCh37 (hg19) VCF-style: chr19-55481486-C-T.
Other names: c.103C>T, p.Leu35= (NM_001174081.3, NM_001174082.3, NM_001174083.2 and 1 more transcripts); c.103C>T (NM_001174081.2).
Identifiers: ClinVar variation 732831 (VCV000732831.36), dbSNP rs140778052, ClinGen allele CA310058952.

ClinVar aggregate classification (germline): Likely benign. Review status: criteria provided, multiple submitters, no conflicts (2 of 4 stars). 3 submissions from 3 submitters: Likely benign (2). 1 of the submissions does not count toward it. Last evaluated 2022-05-01.

Conditions:
NLRP2-related disorder. Also called: NLRP2-related condition.

Allele frequency attached by ClinVar (database versions not stated): ExAC 0.00026; gnomAD exomes 0.00037 and 0.00077; gnomAD 0.00044 and 0.00046; TOPMed 0.00050; ESP Exome Variant Server 0.00062.
gnomAD v4.1: 1,181 of 1,614,098 alleles (0.073%); highest among the groups gnomAD compares: Non-Finnish European, 0.093%; 1 homozygote.

Submissions (3):

CeGaT Center for Human Genetics Tuebingen
Classification: Likely benign. Last evaluated: 2022-05-01. Review status: criteria provided, single submitter. Criteria: CeGaT Center For Human Genetics Tuebingen Variant Classification Criteria Version 2. Collection method: clinical testing. Allele origin: germline. Affected: yes. Observed: 1 variant allele.
Comment: NLRP2: BP4, BP7

Labcorp Genetics (formerly Invitae), Labcorp
Classification: Likely benign. Last evaluated: 2019-12-31. Review status: criteria provided, single submitter. Criteria: Invitae Variant Classification Sherloc (09022015). Collection method: clinical testing. Allele origin: germline.

PreventionGenetics, part of Exact Sciences
Classification: Likely benign for NLRP2-related condition. Last evaluated: 2019-07-24. Review status: no assertion criteria provided. Collection method: clinical testing. Allele origin: germline. Not counted in ClinVar's aggregate classification.
Comment: This variant is classified as likely benign based on ACMG/AMP sequence variant interpretation guidelines (Richards et al. 2015 PMID: 25741868, with internal and published modifications).